The following is an entry in ClinVar:

NM_144772.3(NAXE):c.291+6_291+7inv

Gene: NAXE (NAD(P)HX epimerase; plus strand). Cytogenetic location: 1q22.
Variant type: Inversion.
Coding change: c.291+6_291+7inv on transcript NM_144772.3 (MANE Select).
Molecular consequence: intron variant.
Genome position: GRCh38 VCF-style: chr1-156592215-TG-CA. GRCh37 (hg19) VCF-style: chr1-156562007-TG-CA.
Identifiers: ClinVar variation 1382066 (VCV001382066.4), ClinGen allele CA2573131180.

ClinVar aggregate classification (germline): Uncertain significance (1 of 4 stars; one submission).

Submission:

Labcorp Genetics (formerly Invitae), Labcorp
Classification: Uncertain significance. Last evaluated: 2025-03-18. Review status: criteria provided, single submitter. Criteria: Invitae Variant Classification Sherloc (09022015). Collection method: clinical testing. Allele origin: germline.
Comment: This sequence change falls in intron 2 of the NAXE gene. It does not directly change the encoded amino acid sequence of the NAXE protein. It affects a nucleotide within the consensus splice site. Information on the frequency of this variant in the gnomAD database is not available, as this variant may be reported differently in the database. This variant has not been reported in the literature in individuals affected with NAXE-related conditions. ClinVar contains an entry for this variant (Variation ID: 1382066). Variants that disrupt the consensus splice site are a relatively common cause of aberrant splicing (PMID: 17576681, 9536098). In summary, the available evidence is currently insufficient to determine the role of this variant in disease. Therefore, it has been classified as a Variant of Uncertain Significance.

Literature cited by the submitters: PubMed 17576681; PubMed 9536098.